The following is an entry in ClinVar:

NM_002439.5(MSH3):c.1183C>A (p.Pro395Thr)

Gene: MSH3 (mutS homolog 3; plus strand). Cytogenetic location: 5q14.1.
Variant type: single nucleotide variant.
Coding change: c.1183C>A on transcript NM_002439.5 (MANE Select); coding-DNA position 1183, C replaced by A.
Protein change: p.Pro395Thr; replaces proline 395 with threonine.
Molecular consequence: missense variant.
Genome position (GRCh38, 1-based): chr5:80,678,936, C>A. VCF-style: chr5-80678936-C-A. GRCh37 (hg19) VCF-style: chr5-79974755-C-A.
Other names: short protein forms P395T.
Identifiers: ClinVar variation 1362961 (VCV001362961.11), dbSNP rs1475595202, ClinGen allele CA360268831.

ClinVar aggregate classification (germline): Uncertain significance. Review status: criteria provided, multiple submitters, no conflicts (2 of 4 stars). 2 submissions from 2 submitters: Uncertain significance (2). Last evaluated 2024-06-07.

Conditions:
Hereditary cancer-predisposing syndrome. Also called: Neoplastic Syndromes, Hereditary; Tumor predisposition; Hereditary neoplastic syndrome; Hereditary Cancer Syndrome. Identifiers: Orphanet 140162, MedGen C0027672, MeSH D009386, MONDO:0015356.

Submissions (2):

Ambry Genetics
Classification: Uncertain significance for Hereditary cancer-predisposing syndrome. Last evaluated: 2024-06-07. Review status: criteria provided, single submitter. Criteria: Ambry Variant Classification Scheme 2023. Collection method: clinical testing. Allele origin: germline.
Comment: The p.P395T variant (also known as c.1183C>A), located in coding exon 8 of the MSH3 gene, results from a C to A substitution at nucleotide position 1183. The proline at codon 395 is replaced by threonine, an amino acid with highly similar properties. This amino acid position is conserved. In addition, this alteration is predicted to be deleterious by in silico analysis. Since supporting evidence is limited at this time, the clinical significance of this alteration remains unclear.

Labcorp Genetics (formerly Invitae), Labcorp
Classification: Uncertain significance. Last evaluated: 2022-02-09. Review status: criteria provided, single submitter. Criteria: Invitae Variant Classification Sherloc (09022015). Collection method: clinical testing. Allele origin: germline.
Comment: This sequence change replaces proline, which is neutral and non-polar, with threonine, which is neutral and polar, at codon 395 of the MSH3 protein (p.Pro395Thr). In summary, the available evidence is currently insufficient to determine the role of this variant in disease. Therefore, it has been classified as a Variant of Uncertain Significance. Algorithms developed to predict the effect of missense changes on protein structure and function are either unavailable or do not agree on the potential impact of this missense change (SIFT: "Tolerated"; PolyPhen-2: "Probably Damaging"; Align-GVGD: "Class C0"). This variant has not been reported in the literature in individuals affected with MSH3-related conditions. This variant is not present in population databases (gnomAD no frequency).